The following is an entry in ClinVar:

ClinVar aggregate classification (germline): Likely pathogenic (1 of 4 stars; one submission).

Conditions:
Dentinogenesis imperfecta type 2 (DGI1). Also called: CAPDEPONT TEETH; OPALESCENT DENTIN; OPALESCENT TEETH WITHOUT OSTEOGENESIS IMPERFECTA; Dentinogenesis imperfecta without osteogenesis imperfecta; Hereditary Opalescent Dentin; Dentinogenesis imperfecta - Shield's type II. Identifiers: Orphanet 166260, MedGen C2973527, MONDO:0007441, OMIM 125490. Disease mechanism: loss of function.

gnomAD v4.1: 2 of 1,614,132 alleles (0.00012%); highest among the groups gnomAD compares: African/African-American, 0.0013%; no homozygotes.

Submission:

3billion
Classification: Likely pathogenic for Dentinogenesis imperfecta type 2. Last evaluated: 2023-08-18. Review status: criteria provided, single submitter. Criteria: ACMG Guidelines, 2015. Collection method: clinical testing. Allele origin: germline. Affected: yes.
Comment: The variant is not observed in the gnomAD v2.1.1 dataset. Predicted Consequence/Location: Stop-gained (nonsense): predicted to result in a loss or disruption of normal protein function through protein truncation. The predicted truncated protein may be shortened by more than 10%. Therefore, this variant is classified as Likely pathogenic according to the recommendation of ACMG/AMP guideline.

NM_014208.3(DSPP):c.1531G>T (p.Glu511Ter)

Genes: DSPP (dentin sialophosphoprotein; plus strand), DMP1-AS1 (DMP1 and DSPP antisense RNA 1; minus strand). Cytogenetic location: 4q22.1.
Variant type: single nucleotide variant.
Coding change: c.1531G>T on transcript NM_014208.3 (MANE Select); coding-DNA position 1531, G replaced by T.
Protein change: p.Glu511Ter; replaces glutamic acid 511 with a stop codon.
Molecular consequence: nonsense.
Genome position (GRCh38, 1-based): chr4:87,614,193, G>T. VCF-style: chr4-87614193-G-T. GRCh37 (hg19) VCF-style: chr4-88535345-G-T.
Other names: short protein forms E511*.
Identifiers: ClinVar variation 3775878 (VCV003775878.1).